The following is an entry in ClinVar:

NM_000399.5(EGR2):c.983A>G (p.Asn328Ser)

Gene: EGR2 (early growth response 2; minus strand). Cytogenetic location: 10q21.3.
Variant type: single nucleotide variant.
Coding change: c.983A>G on transcript NM_000399.5 (MANE Select); coding-DNA position 983, A replaced by G.
Protein change: p.Asn328Ser; replaces asparagine 328 with serine.
Molecular consequence: missense variant.
Genome position (GRCh38, 1-based): chr10:62,813,655, T>C on the plus strand (A>G on the coding strand, the complement: EGR2 is on the minus strand). VCF-style: chr10-62813655-T-C. GRCh37 (hg19) VCF-style: chr10-64573415-T-C.
Other names: c.983A>G (NM_000399.4); c.983A>G, p.Asn328Ser (NM_001136177.3, NM_001136178.2); c.833A>G, p.Asn278Ser (NM_001136179.3, NM_001321037.2); c.1022A>G, p.Asn341Ser (NM_001410931.1); short protein forms N278S, N328S, N341S.
Identifiers: ClinVar variation 1986706 (VCV001986706.6), dbSNP rs779229640, ClinGen allele CA5517186.

ClinVar aggregate classification (germline): Uncertain significance. Review status: criteria provided, multiple submitters, no conflicts (2 of 4 stars). 3 submissions from 3 submitters: Uncertain significance (3). Last evaluated 2025-07-24.

Conditions:
Charcot-Marie-Tooth disease, type I (CMT1). Also called: Charcot-Marie-Tooth, Type 1; Charcot-Marie-Tooth disease type 1. Identifiers: Orphanet 65753, MedGen C0751036, MONDO:0019011.
Dejerine-Sottas disease. Also called: Charcot-Marie-Tooth disease type 3; HMSN Type III; DEJERINE-SOTTAS NEUROPATHY; HEREDITARY MOTOR AND SENSORY NEUROPATHY TYPE III; Hereditary motor and sensory neuropathy 3. Identifiers: Orphanet 64748, MedGen C0011195, MONDO:0007790, OMIM 145900.

Allele frequency attached by ClinVar (database versions not stated): ExAC 0.00001; gnomAD exomes 0.00001; TOPMed 0.00002.
gnomAD v4.1: 18 of 1,613,174 alleles (0.0011%); highest among the groups gnomAD compares: Non-Finnish European, 0.0014%; no homozygotes.

Submissions (3):

Athena Diagnostics
Classification: Uncertain significance. Last evaluated: 2025-07-24. Review status: criteria provided, single submitter. Criteria: Athena Diagnostics Criteria. Collection method: clinical testing. Allele origin: unknown.
Comment: Available data are insufficient to determine the clinical significance of the variant at this time. The frequency of this variant in the general population is uninformative in assessment of its pathogenicity. Computational tools disagree on the variant's effect on normal protein function.

Labcorp Genetics (formerly Invitae), Labcorp
Classification: Uncertain significance for Charcot-Marie-Tooth disease, type I. Last evaluated: 2024-07-03. Review status: criteria provided, single submitter. Criteria: Invitae Variant Classification Sherloc (09022015). Collection method: clinical testing. Allele origin: germline.
Comment: This sequence change replaces asparagine, which is neutral and polar, with serine, which is neutral and polar, at codon 328 of the EGR2 protein (p.Asn328Ser). This variant is present in population databases (rs779229640, gnomAD 0.002%). This variant has not been reported in the literature in individuals affected with EGR2-related conditions. ClinVar contains an entry for this variant (Variation ID: 1986706). Advanced modeling of protein sequence and biophysical properties (such as structural, functional, and spatial information, amino acid conservation, physicochemical variation, residue mobility, and thermodynamic stability) performed at Invitae indicates that this missense variant is not expected to disrupt EGR2 protein function with a negative predictive value of 80%. In summary, the available evidence is currently insufficient to determine the role of this variant in disease. Therefore, it has been classified as a Variant of Uncertain Significance.

Baylor Genetics
Classification: Uncertain significance for Dejerine-Sottas disease. Last evaluated: 2023-12-26. Review status: criteria provided, single submitter. Criteria: ACMG Guidelines, 2015. Collection method: clinical testing. Allele origin: unknown.